The following is an entry in ClinVar:

ClinVar aggregate classification (germline): Likely benign. Review status: criteria provided, multiple submitters, no conflicts (2 of 4 stars). 4 submissions from 4 submitters: Likely benign (3). 1 of the submissions does not count toward it. Last evaluated 2026-08-01.

Conditions:
BRD4-related disorder. Also called: BRD4-related condition.

Allele frequency attached by ClinVar (database versions not stated): 1000 Genomes Project 30x 0.00078; 1000 Genomes Project 0.00080; gnomAD exomes 0.00427; TOPMed 0.00472; gnomAD 0.00508 and 0.00515; ExAC 0.00534; ESP Exome Variant Server 0.00550.
gnomAD v4.1: 11,029 of 1,595,662 alleles (0.69%); highest among the groups gnomAD compares: Non-Finnish European, 0.84%; 49 homozygotes.

Submissions (4):

CeGaT Center for Human Genetics Tuebingen
Classification: Likely benign. Last evaluated: 2026-08-01. Review status: criteria provided, single submitter. Criteria: CeGaT Center For Human Genetics Tuebingen Variant Classification Criteria Version 2. Collection method: clinical testing. Allele origin: germline. Affected: yes. Observed: 22 variant alleles.
Comment: BRD4: BS2

Labcorp Genetics (formerly Invitae), Labcorp
Classification: Likely benign. Last evaluated: 2026-01-26. Review status: criteria provided, single submitter. Criteria: Invitae Variant Classification Sherloc (09022015). Collection method: clinical testing. Allele origin: germline.

Breakthrough Genomics
Classification: Likely benign. Review status: criteria provided, single submitter. Criteria: ACMG Guidelines, 2015. Collection method: not provided. Allele origin: germline. Inheritance: Unknown mechanism. Affected: yes.

PreventionGenetics, part of Exact Sciences
Classification: Benign for BRD4-related condition. Last evaluated: 2019-11-25. Review status: no assertion criteria provided. Collection method: clinical testing. Allele origin: germline. Not counted in ClinVar's aggregate classification.
Comment: This variant is classified as benign based on ACMG/AMP sequence variant interpretation guidelines (Richards et al. 2015 PMID: 25741868, with internal and published modifications).

NM_001379291.1(BRD4):c.3810G>C (p.Glu1270Asp)

Gene: BRD4 (bromodomain containing 4; minus strand). Cytogenetic location: 19p13.12.
Variant type: single nucleotide variant.
Coding change: c.3810G>C on transcript NM_001379291.1 (MANE Select); coding-DNA position 3810, G replaced by C.
Protein change: p.Glu1270Asp; replaces glutamic acid 1270 with aspartic acid.
Molecular consequence: missense variant.
Genome position (GRCh38, 1-based): chr19:15,238,953, C>G on the plus strand (G>C on the coding strand, the complement: BRD4 is on the minus strand). VCF-style: chr19-15238953-C-G. GRCh37 (hg19) VCF-style: chr19-15349764-C-G.
Other names: c.3810G>C, p.Glu1270Asp (NM_058243.3); short protein forms E1270D.
Identifiers: ClinVar variation 775116 (VCV000775116.34), dbSNP rs113881069, ClinGen allele CA9264517.
Genomic context (GRCh38, chr19:15,238,953, plus strand): 5'-GCGCTGCTGCTGCTGCTGCTCCTGGCGCCGACGTGCCTCCTCATGGGCCCGCCGGGCCTG[C>G]TCCAGCGCATCCTCGTCCTCTCGGCTCCTGGGCAGAGGGTCCCAGTCAGCCTGGGGACTG-3'
Protein context (NP_001366220.1, residues 1260-1280): MRSREDEDAL[Glu1270Asp]QARRAHEEAR